The following is an entry in ClinVar:

NM_000052.7(ATP7A):c.1190G>C (p.Gly397Ala)

Gene: ATP7A (ATPase copper transporting alpha; plus strand). Cytogenetic location: Xq21.1.
Variant type: single nucleotide variant.
Coding change: c.1190G>C on transcript NM_000052.7 (MANE Select); coding-DNA position 1190, G replaced by C.
Protein change: p.Gly397Ala; replaces glycine 397 with alanine.
Molecular consequence: missense variant.
Genome position (GRCh38, 1-based): chrX:77,989,812, G>C. VCF-style: chrX-77989812-G-C. GRCh37 (hg19) VCF-style: chrX-77245308-G-C.
Other names: c.1190G>C, p.Gly397Ala (NM_001282224.2); short protein forms G397A.
Identifiers: ClinVar variation 2951139 (VCV002951139.3), dbSNP rs1557231895, ClinGen allele CA413602013.

ClinVar aggregate classification (germline): Uncertain significance (1 of 4 stars; one submission).

Conditions:
Menkes kinky-hair syndrome (MNK). Also called: Classic Menkes Disease; Copper transport disease; Menkes Disease. Identifiers: Orphanet 565, MedGen C0022716, MONDO:0010651, OMIM 309400.
Cutis laxa, X-linked (OHS). Also called: EDS IX; Occipital horn syndrome. Identifiers: Orphanet 198, MedGen C0268353, MONDO:0010572, OMIM 304150.
X-linked distal spinal muscular atrophy type 3. Also called: ATP7A-Related Distal Motor Neuropathy; SPINAL MUSCULAR ATROPHY, DISTAL, X-LINKED RECESSIVE; NEURONOPATHY, DISTAL HEREDITARY MOTOR, X-LINKED; NEUROPATHY, DISTAL HEREDITARY MOTOR, X-LINKED. Identifiers: Orphanet 139557, MedGen C1845359, MONDO:0010338, OMIM 300489.

Submission:

Labcorp Genetics (formerly Invitae), Labcorp
Classification: Uncertain significance for X-linked distal spinal muscular atrophy type 3; Cutis laxa, X-linked; Menkes kinky-hair syndrome. Last evaluated: 2023-08-19. Review status: criteria provided, single submitter. Criteria: Invitae Variant Classification Sherloc (09022015). Collection method: clinical testing. Allele origin: germline.
Comment: This sequence change replaces glycine, which is neutral and non-polar, with alanine, which is neutral and non-polar, at codon 397 of the ATP7A protein (p.Gly397Ala). This variant is not present in population databases (gnomAD no frequency). This variant has not been reported in the literature in individuals affected with ATP7A-related conditions. Advanced modeling of protein sequence and biophysical properties (such as structural, functional, and spatial information, amino acid conservation, physicochemical variation, residue mobility, and thermodynamic stability) performed at Invitae indicates that this missense variant is not expected to disrupt ATP7A protein function. In summary, the available evidence is currently insufficient to determine the role of this variant in disease. Therefore, it has been classified as a Variant of Uncertain Significance.